The following is an entry in ClinVar:

ClinVar aggregate classification (germline): Uncertain significance (1 of 4 stars; one submission).

Conditions:
Familial hypobetalipoproteinemia 1. Also called: APOB-Related Familial Hypobetalipoproteinemia; Hypobetalipoproteinemia, normotriglyceridemic; Acanthocytosis with hypobetalipoproteinemia. Identifiers: MedGen C4551990, MONDO:0014252, OMIM 615558.
Hypercholesterolemia, autosomal dominant, type B (FHCL2). Also called: Familial Hypercholesterolemia Type B; APOLIPOPROTEIN B-100, FAMILIAL DEFECTIVE; APOLIPOPROTEIN B-100, FAMILIAL LIGAND-DEFECTIVE; HYPERCHOLESTEROLEMIA, FAMILIAL, DUE TO LIGAND-DEFECTIVE APOLIPOPROTEIN B; Hyperlipoproteinemia Type IIb; Familial hypercholesterolemia 2. Identifiers: MedGen C1704417, MONDO:0007751, OMIM 144010.

gnomAD v4.1: 2 of 1,614,152 alleles (0.00012%); highest among the groups gnomAD compares: Non-Finnish European, 0.00017%; no homozygotes.

Submission:

Labcorp Genetics (formerly Invitae), Labcorp
Classification: Uncertain significance for Familial hypobetalipoproteinemia 1; Hypercholesterolemia, autosomal dominant, type B. Last evaluated: 2024-08-27. Review status: criteria provided, single submitter. Criteria: Invitae Variant Classification Sherloc (09022015). Collection method: clinical testing. Allele origin: germline.
Comment: This sequence change replaces glycine, which is neutral and non-polar, with aspartic acid, which is acidic and polar, at codon 1158 of the APOB protein (p.Gly1158Asp). This variant is present in population databases (no rsID available, gnomAD 0.0009%). This variant has not been reported in the literature in individuals affected with APOB-related conditions. Invitae Evidence Modeling of protein sequence and biophysical properties (such as structural, functional, and spatial information, amino acid conservation, physicochemical variation, residue mobility, and thermodynamic stability) indicates that this missense variant is not expected to disrupt APOB protein function with a negative predictive value of 95%. In summary, the available evidence is currently insufficient to determine the role of this variant in disease. Therefore, it has been classified as a Variant of Uncertain Significance.

NM_000384.3(APOB):c.3473G>A (p.Gly1158Asp)

Gene: APOB (apolipoprotein B; minus strand). Cytogenetic location: 2p24.1.
Variant type: single nucleotide variant.
Coding change: c.3473G>A on transcript NM_000384.3 (MANE Select); coding-DNA position 3473, G replaced by A.
Protein change: p.Gly1158Asp; replaces glycine 1158 with aspartic acid.
Molecular consequence: missense variant.
Genome position (GRCh38, 1-based): chr2:21,015,405, C>T on the plus strand (G>A on the coding strand, the complement: APOB is on the minus strand). VCF-style: chr2-21015405-C-T. GRCh37 (hg19) VCF-style: chr2-21238277-C-T.
Other names: short protein forms G1158D.
Identifiers: ClinVar variation 3749744 (VCV003749744.2).